The following is an entry in ClinVar:

ClinVar aggregate classification (germline): Pathogenic (1 of 4 stars; one submission).

Submission:

ISCA Site 6
Classification: Pathogenic. Last evaluated: 2011-08-12. Review status: criteria provided, single submitter. Criteria: Kaminsky et al. (Genet Med. 2011). Collection method: clinical testing. Allele origin: unknown. Affected: yes. Observed: 1 variant allele.
Comment: Copy number variation identified through the course of routine clinical cytogenomic testing in postnatal populations. Clinical assertions have been curated as described in Kaminsky et al. 2011.

GRCh38/hg38 22q11.21(chr22:18167908-21101267)x1

Genes: CCDC188 (coiled-coil domain containing 188; minus strand), CDC45 (cell division cycle 45; plus strand), CLDN5 (claudin 5; minus strand), CLTCL1 (clathrin heavy chain like 1; minus strand), COMT (catechol-O-methyltransferase; plus strand) and 187 more. Cytogenetic location: 22q11.21.
Variant type: copy number loss.
Change: copy number 1 (one copy instead of two) of chr22:18,167,908-21,101,267 (2.93 Mb, GRCh38 coordinates, 1-based), cytogenetic band 22q11.21.
Identifiers: ClinVar variation 57556 (VCV000057556.2).